The following is an entry in ClinVar:

NM_000255.4(MMUT):c.1435A>G (p.Ile479Val)

Gene: MMUT (methylmalonyl-CoA mutase; minus strand). Cytogenetic location: 6p12.3.
Variant type: single nucleotide variant.
Coding change: c.1435A>G on transcript NM_000255.4 (MANE Select); coding-DNA position 1435, A replaced by G.
Protein change: p.Ile479Val; replaces isoleucine 479 with valine.
Molecular consequence: missense variant.
Genome position (GRCh38, 1-based): chr6:49,448,825, T>C on the plus strand (A>G on the coding strand, the complement: MMUT is on the minus strand). VCF-style: chr6-49448825-T-C. GRCh37 (hg19) VCF-style: chr6-49416538-T-C.
Other names: short protein forms I479V.
Identifiers: ClinVar variation 1028160 (VCV001028160.4), dbSNP rs867154364, ClinGen allele CA138795914.

ClinVar aggregate classification (germline): Uncertain significance. Review status: criteria provided, multiple submitters, no conflicts (2 of 4 stars). 3 submissions from 3 submitters: Uncertain significance (3). Last evaluated 2023-02-22.

Conditions:
Methylmalonic aciduria due to methylmalonyl-CoA mutase deficiency (MAMM). Also called: Methylmalonic aciduria, mut type. Identifiers: Orphanet 27, MedGen C1855114, MONDO:0009612, OMIM 251000.

Allele frequency attached by ClinVar (database versions not stated): gnomAD exomes below 0.00001.
gnomAD v4.1: 6 of 1,611,890 alleles (0.00037%); highest among the groups gnomAD compares: Middle Eastern, 0.083%; no homozygotes.

Submissions (3):

Ambry Genetics
Classification: Uncertain significance. Last evaluated: 2023-02-22. Review status: criteria provided, single submitter. Criteria: Ambry Variant Classification Scheme 2023. Collection method: clinical testing. Allele origin: germline.

Baylor Genetics
Classification: Uncertain significance for Methylmalonic aciduria due to methylmalonyl-CoA mutase deficiency. Last evaluated: 2020-07-16. Review status: criteria provided, single submitter. Criteria: ACMG Guidelines, 2015. Collection method: clinical testing. Allele origin: unknown. Affected: yes.
Comment: This variant was determined to be of uncertain significance according to ACMG Guidelines, 2015 [PMID:25741868].

Breakthrough Genomics
Classification: Uncertain significance. Review status: criteria provided, single submitter. Criteria: ACMG Guidelines, 2015. Collection method: not provided. Allele origin: germline. Inheritance: Autosomal recessive inheritance. Affected: yes.